The following is an entry in ClinVar:

ClinVar aggregate classification (germline): Uncertain significance (1 of 4 stars; one submission).

Conditions:
Malignant hyperthermia, susceptibility to, 5 (MHS5). Also called: CACNA1S-Related Malignant Hyperthermia Susceptibility. Identifiers: Orphanet 423, MedGen C1866077, MONDO:0011163, OMIM 601887.

Allele frequency attached by ClinVar (database versions not stated): gnomAD exomes below 0.00001; TOPMed below 0.00001; ExAC 0.00001; gnomAD 0.00001.
gnomAD v4.1: 3 of 1,614,032 alleles (0.00019%); highest among the groups gnomAD compares: Admixed American, 0.0017%; no homozygotes.

Submission:

All of Us Research Program, National Institutes of Health
Classification: Uncertain significance for Malignant hyperthermia, susceptibility to, 5. Last evaluated: 2023-04-27. Review status: criteria provided, single submitter. Criteria: ACMG Guidelines, 2015. Collection method: clinical testing. Allele origin: germline. Inheritance: Autosomal dominant inheritance. Observed: 1 variant allele, 1 heterozygote.
Comment: This study involves interpretation of variants in research participants for the purpose of population health screening. Participant phenotype was not available at the time of variant classification. Additional details can be found in publication PMID: 35346344, PMCID: PMC8962531

NM_000069.3(CACNA1S):c.446C>T (p.Thr149Ile)

Gene: CACNA1S (calcium voltage-gated channel subunit alpha1 S; minus strand). Cytogenetic location: 1q32.1.
Variant type: single nucleotide variant.
Coding change: c.446C>T on transcript NM_000069.3 (MANE Select); coding-DNA position 446, C replaced by T.
Protein change: p.Thr149Ile; replaces threonine 149 with isoleucine.
Molecular consequence: missense variant.
Genome position (GRCh38, 1-based): chr1:201,092,067, G>A on the plus strand (C>T on the coding strand, the complement: CACNA1S is on the minus strand). VCF-style: chr1-201092067-G-A. GRCh37 (hg19) VCF-style: chr1-201061195-G-A.
Other names: short protein forms T149I.
Identifiers: ClinVar variation 3070497 (VCV003070497.1), dbSNP rs772789447, ClinGen allele CA083382.
Genomic context (GRCh38, chr1:201,092,067, plus strand): 5'-ACTCGGAAGGCTCTGAGGGCCTTGACATCCAAGCCGGCTCCTTTGCTGCTCATTGGGGCT[G>A]TGTGGCTTTGGATGACGTTAACCTGTTCCAGAATCACGGTGAAGACCCTAGAATGGAGAA-3'
Protein context (NP_000060.2, residues 139-159): LEQVNVIQSH[Thr149Ile]APMSSKGAGL